The following is an entry in ClinVar:

ClinVar aggregate classification (germline): Likely benign. Review status: criteria provided, single submitter (1 of 4 stars). 2 submissions from 2 submitters: Likely benign (1). 1 of the submissions does not count toward it. Last evaluated 2021-12-01.

Conditions:
BBS1-related disorder. Also called: BBS1-related condition.
Bardet-Biedl syndrome (BBS). Identifiers: Orphanet 110, MedGen C0752166, MONDO:0015229.

gnomAD v4.1: 1 of 1,614,146 alleles (0.000062%); no homozygotes.

Submissions (2):

Labcorp Genetics (formerly Invitae), Labcorp
Classification: Likely benign for Bardet-Biedl syndrome. Last evaluated: 2021-12-01. Review status: criteria provided, single submitter. Criteria: Invitae Variant Classification Sherloc (09022015). Collection method: clinical testing. Allele origin: germline.

PreventionGenetics, part of Exact Sciences
Classification: Likely benign for BBS1-related condition. Last evaluated: 2023-11-01. Review status: no assertion criteria provided. Collection method: clinical testing. Allele origin: germline. Not counted in ClinVar's aggregate classification.
Comment: This variant is classified as likely benign based on ACMG/AMP sequence variant interpretation guidelines (Richards et al. 2015 PMID: 25741868, with internal and published modifications).

NM_024649.5(BBS1):c.201C>T (p.Arg67=)

Gene: BBS1 (Bardet-Biedl syndrome 1; plus strand). Cytogenetic location: 11q13.2.
Variant type: single nucleotide variant.
Coding change: c.201C>T on transcript NM_024649.5 (MANE Select); coding-DNA position 201, C replaced by T.
Protein change: p.Arg67=; no amino-acid change (arginine 67 retained).
Molecular consequence: synonymous variant.
Genome position (GRCh38, 1-based): chr11:66,514,447, C>T. VCF-style: chr11-66514447-C-T. GRCh37 (hg19) VCF-style: chr11-66281918-C-T.
Other names: c.201C>T (NM_024649.4).
Identifiers: ClinVar variation 1507646 (VCV001507646.9), dbSNP rs2134771274, ClinGen allele CA381455824.